The following is an entry in ClinVar:

NM_001723.7(DST):c.6125C>T (p.Ala2042Val)

Gene: DST (dystonin; minus strand). Cytogenetic location: 6p12.1.
Variant type: single nucleotide variant.
Coding change: c.6125C>T on transcript NM_001723.7 (MANE Plus Clinical); coding-DNA position 6125, C replaced by T.
Protein change: p.Ala2042Val; replaces alanine 2042 with valine.
Molecular consequence: missense variant. On other transcripts: intron variant (10).
Genome position (GRCh38, 1-based): chr6:56,617,342, G>A on the plus strand (C>T on the coding strand, the complement: DST is on the minus strand). VCF-style: chr6-56617342-G-A. GRCh37 (hg19) VCF-style: chr6-56482140-G-A.
Other names: c.4831-2858C>T (NM_001144769.5); c.4930-2858C>T (NM_001374722.1, NM_001374736.1); c.4957-2858C>T (NM_001374734.1); c.4417-2858C>T (NM_001144770.2); c.4297-2858C>T (NM_001374730.1, NM_001386100.1, NM_183380.4 and 1 more transcripts); c.3319-2858C>T (NM_015548.5); short protein forms A2042V.
Identifiers: ClinVar variation 651748 (VCV000651748.11), dbSNP rs762705378, ClinGen allele CA3870222.

ClinVar aggregate classification (germline): Uncertain significance (1 of 4 stars; one submission).

Conditions:
Hereditary sensory and autonomic neuropathy type 6. Also called: Neuropathy, hereditary sensory and autonomic, type VI; HSAN VI. Identifiers: Orphanet 314381, MedGen C3539003, MONDO:0013839, OMIM 614653.
Epidermolysis bullosa simplex 3, localized or generalized intermediate, with BP230 deficiency (EBS3). Also called: Epidermolysis bullosa simplex due to BP230 deficiency; Epidermolysis bullosa simplex, autosomal recessive 2. Identifiers: Orphanet 412181, MedGen C3809470, MONDO:0014180, OMIM 615425.

Allele frequency attached by ClinVar (database versions not stated): gnomAD 0.00001 and 0.00002; gnomAD exomes 0.00001 and 0.00004; TOPMed 0.00001; ExAC 0.00005.
gnomAD v4.1: 23 of 1,613,850 alleles (0.0014%); highest among the groups gnomAD compares: East Asian, 0.0089%; no homozygotes.

Submission:

Labcorp Genetics (formerly Invitae), Labcorp
Classification: Uncertain significance for Epidermolysis bullosa simplex 3, localized or generalized intermediate, with BP230 deficiency; Hereditary sensory and autonomic neuropathy type 6. Last evaluated: 2022-10-25. Review status: criteria provided, single submitter. Criteria: Invitae Variant Classification Sherloc (09022015). Collection method: clinical testing. Allele origin: germline.
Comment: This variant has not been reported in the literature in individuals affected with DST-related conditions. This sequence change replaces alanine, which is neutral and non-polar, with valine, which is neutral and non-polar, at codon 2042 of the DST protein (p.Ala2042Val). This variant is present in population databases (rs762705378, gnomAD 0.02%). ClinVar contains an entry for this variant (Variation ID: 651748). Algorithms developed to predict the effect of missense changes on protein structure and function (SIFT, PolyPhen-2, Align-GVGD) all suggest that this variant is likely to be tolerated. In summary, the available evidence is currently insufficient to determine the role of this variant in disease. Therefore, it has been classified as a Variant of Uncertain Significance.